The following is an entry in ClinVar:

NM_001048174.2(MUTYH):c.586G>A (p.Ala196Thr)

Gene: MUTYH (mutY DNA glycosylase; minus strand). Cytogenetic location: 1p34.1.
Variant type: single nucleotide variant.
Coding change: c.586G>A on transcript NM_001048174.2 (MANE Select); coding-DNA position 586, G replaced by A.
Protein change: p.Ala196Thr; replaces alanine 196 with threonine.
Molecular consequence: missense variant. On other transcripts: non-coding transcript variant (2).
Genome position (GRCh38, 1-based): chr1:45,332,594, C>T on the plus strand (G>A on the coding strand, the complement: MUTYH is on the minus strand). VCF-style: chr1-45332594-C-T. GRCh37 (hg19) VCF-style: chr1-45798266-C-T.
Other names: c.586G>A, p.Ala196Thr (NM_001048171.2, NM_001048173.2, NM_001293195.2); c.589G>A, p.Ala197Thr (NM_001048172.2); c.670G>A, p.Ala224Thr (NM_001128425.2); c.631G>A, p.Ala211Thr (NM_001293190.2); c.619G>A, p.Ala207Thr (NM_001293191.2); c.310G>A, p.Ala104Thr (NM_001293192.2, NM_001293196.2); c.241G>A, p.Ala81Thr (NM_001350650.2, NM_001350651.2); c.661G>A, p.Ala221Thr (NM_012222.3); short protein forms A224T, A197T, A211T, A196T, A221T, A81T, A104T, A207T.
Identifiers: ClinVar variation 238351 (VCV000238351.14), dbSNP rs878854192, ClinGen allele CA10581809.
Genomic context (GRCh38, chr1:45,332,594, plus strand): 5'-GGCTGGGCACGCACAAAGTGGGGGTGGGCTGTGAGATCACCTGGCCAAAGGCGATAGAGG[C>T]AATGGCCCCAGCTGTGTAGCGCCCCACGCCAGGCAGGAGCTGCTGCAGGGTCTCTGCTGT-3'
Protein context (NP_001041639.1, residues 186-206): GVGRYTAGAI[Ala196Thr]SIAFGQATGV

ClinVar aggregate classification (germline): Uncertain significance. Review status: criteria provided, multiple submitters, no conflicts (2 of 4 stars). 3 submissions from 3 submitters: Uncertain significance (3). Last evaluated 2025-07-27.

Conditions:
Hereditary cancer-predisposing syndrome. Also called: Tumor predisposition; Hereditary neoplastic syndrome; Neoplastic Syndromes, Hereditary; Hereditary Cancer Syndrome. Identifiers: Orphanet 140162, MedGen C0027672, MeSH D009386, MONDO:0015356.
Familial adenomatous polyposis 2. Also called: FAP type 2; MUTYH Polyposis; MUTYH-related attenuated familial adenomatous polyposis; COLORECTAL ADENOMATOUS POLYPOSIS, AUTOSOMAL RECESSIVE; ADENOMAS, MULTIPLE COLORECTAL, AUTOSOMAL RECESSIVE; Adenomas, multiple colorectal. Identifiers: Orphanet 220460, Orphanet 247798, MedGen C3272841, MONDO:0012041, OMIM 608456.

Allele frequency attached by ClinVar (database versions not stated): gnomAD exomes 0.00001.
gnomAD v4.1: 7 of 1,614,146 alleles (0.00043%); highest among the groups gnomAD compares: Non-Finnish European, 0.00059%; no homozygotes.

Submissions (3):

Labcorp Genetics (formerly Invitae), Labcorp
Classification: Uncertain significance for Familial adenomatous polyposis 2. Last evaluated: 2025-07-27. Review status: criteria provided, single submitter. Criteria: Invitae Variant Classification Sherloc (09022015). Collection method: clinical testing. Allele origin: germline.
Comment: This sequence change replaces alanine, which is neutral and non-polar, with threonine, which is neutral and polar, at codon 224 of the MUTYH protein (p.Ala224Thr). This variant is not present in population databases (gnomAD no frequency). This variant has not been reported in the literature in individuals affected with MUTYH-related conditions. ClinVar contains an entry for this variant (Variation ID: 238351). An algorithm developed to predict the effect of missense changes on protein structure and function (PolyPhen-2) suggests that this variant is likely to be disruptive. In summary, the available evidence is currently insufficient to determine the role of this variant in disease. Therefore, it has been classified as a Variant of Uncertain Significance.

Ambry Genetics
Classification: Uncertain significance for Hereditary cancer-predisposing syndrome. Last evaluated: 2021-08-25. Review status: criteria provided, single submitter. Criteria: Ambry Variant Classification Scheme 2023. Collection method: clinical testing. Allele origin: germline.
Comment: The p.A224T variant (also known as c.670G>A), located in coding exon 8 of the MUTYH gene, results from a G to A substitution at nucleotide position 670. The alanine at codon 224 is replaced by threonine, an amino acid with similar properties. In a study of whole-exome sequencing in patients with features of Cowden syndrome (CS) or Bannayan-Riley-Ruvalcaba syndrome (BRRS) and negative PTEN testing, this alteration was identified in 0/87 patients with CS or BRRS and 1/3476 patients from The Cancer Genome Atlas (TCGA) (Yehia L et al. PLoS Genet, 2018 04;14:e1007352). This amino acid position is well conserved in available vertebrate species. In addition, the in silico prediction for this alteration is inconclusive. Since supporting evidence is limited at this time, the clinical significance of this alteration remains unclear.

Color Diagnostics, LLC DBA Color Health
Classification: Uncertain significance for Hereditary cancer-predisposing syndrome. Last evaluated: 2019-06-30. Review status: criteria provided, single submitter. Criteria: ACMG Guidelines, 2015. Collection method: clinical testing. Allele origin: germline.

Literature cited by the submitters: PubMed 29684080 (cited by Ambry Genetics).